The following is an entry in ClinVar:

NM_000426.4(LAMA2):c.7301-1G>A

Gene: LAMA2 (laminin subunit alpha 2; plus strand). Cytogenetic location: 6q22.33.
Variant type: single nucleotide variant.
Coding change: c.7301-1G>A on transcript NM_000426.4 (MANE Select); the canonical splice acceptor site of the intron before coding-DNA position 7301, G replaced by A.
Molecular consequence: splice acceptor variant.
Genome position (GRCh38, 1-based): chr6:129,473,213, G>A. VCF-style: chr6-129473213-G-A. GRCh37 (hg19) VCF-style: chr6-129794358-G-A.
Other names: c.7301-1G>A (NM_001079823.2).
Identifiers: ClinVar variation 2676230 (VCV002676230.4), dbSNP rs2533459456, ClinGen allele CA365624096.

ClinVar aggregate classification (germline): Likely pathogenic. Review status: criteria provided, multiple submitters, no conflicts (2 of 4 stars). 2 submissions from 2 submitters: Likely pathogenic (2). Last evaluated 2023-09-04.

Conditions:
Merosin deficient congenital muscular dystrophy (MDC1A). Also called: Congenital merosin-deficient muscular dystrophy 1A; Congenital Muscular Dystrophy Type 1A (MDC1A). Identifiers: Orphanet 258, MedGen C1263858, MONDO:0011925, OMIM 607855.
LAMA2-related muscular dystrophy (LAMA2-RD). Also called: Laminin alpha 2-related dystrophy. Identifiers: MedGen C5679788, MONDO:0100228.

Submissions (2):

Baylor Genetics
Classification: Likely pathogenic for Merosin deficient congenital muscular dystrophy. Last evaluated: 2023-09-04. Review status: criteria provided, single submitter. Criteria: ACMG Guidelines, 2015. Collection method: clinical testing. Allele origin: unknown.

Labcorp Genetics (formerly Invitae), Labcorp
Classification: Likely pathogenic for LAMA2-related muscular dystrophy. Last evaluated: 2023-07-24. Review status: criteria provided, single submitter. Criteria: Invitae Variant Classification Sherloc (09022015). Collection method: clinical testing. Allele origin: germline.
Comment: This variant has not been reported in the literature in individuals affected with LAMA2-related conditions. In summary, the currently available evidence indicates that the variant is pathogenic, but additional data are needed to prove that conclusively. Therefore, this variant has been classified as Likely Pathogenic. Algorithms developed to predict the effect of sequence changes on RNA splicing suggest that this variant may disrupt the consensus splice site. This variant is not present in population databases (gnomAD no frequency). This sequence change affects an acceptor splice site in intron 51 of the LAMA2 gene. It is expected to disrupt RNA splicing. Variants that disrupt the donor or acceptor splice site typically lead to a loss of protein function (PMID: 16199547), and loss-of-function variants in LAMA2 are known to be pathogenic (PMID: 18700894, 32904964).

Literature cited by the submitters: PubMed 16199547 (cited by Labcorp Genetics (formerly Invitae), Labcorp); PubMed 18700894 (cited by Labcorp Genetics (formerly Invitae), Labcorp); PubMed 32904964 (cited by Labcorp Genetics (formerly Invitae), Labcorp).